The following is an entry in ClinVar:

NM_001723.7(DST):c.5080G>A (p.Glu1694Lys)

Gene: DST (dystonin; minus strand). Cytogenetic location: 6p12.1.
Variant type: single nucleotide variant.
Coding change: c.5080G>A on transcript NM_001723.7 (MANE Plus Clinical); coding-DNA position 5080, G replaced by A.
Protein change: p.Glu1694Lys; replaces glutamic acid 1694 with lysine.
Molecular consequence: missense variant. On other transcripts: intron variant (10).
Genome position (GRCh38, 1-based): chr6:56,618,954, C>T on the plus strand (G>A on the coding strand, the complement: DST is on the minus strand). VCF-style: chr6-56618954-C-T. GRCh37 (hg19) VCF-style: chr6-56483752-C-T.
Other names: c.4831-4470G>A (NM_001144769.5); c.4930-4470G>A (NM_001374722.1, NM_001374736.1); c.4957-4470G>A (NM_001374734.1); c.4417-4470G>A (NM_001144770.2); c.4297-4470G>A (NM_001374730.1, NM_001386100.1, NM_183380.4 and 1 more transcripts); c.3319-4470G>A (NM_015548.5); short protein forms E1694K.
Identifiers: ClinVar variation 941712 (VCV000941712.8), dbSNP rs375717833, ClinGen allele CA3870424.
Genomic context (GRCh38, chr6:56,618,954, plus strand): 5'-TATTTAACTCTTGCACCTGAGCTTGTTGTAGCTGAACTTTCTGCTCCCCGCGTCGCTTCT[C>T]TTCTTTGGAAGCATTCAGTTCCGCATTCAGATTTCTAACTTCTTTCTTGGTATTCTGGAT-3'
Protein context (NP_001714.1, residues 1684-1704): LNAELNASKE[Glu1694Lys]KRRGEQKVQL

ClinVar aggregate classification (germline): Uncertain significance (1 of 4 stars; one submission).

Conditions:
Hereditary sensory and autonomic neuropathy type 6. Also called: HSAN VI; Neuropathy, hereditary sensory and autonomic, type VI. Identifiers: Orphanet 314381, MedGen C3539003, MONDO:0013839, OMIM 614653.
Epidermolysis bullosa simplex 3, localized or generalized intermediate, with BP230 deficiency (EBS3). Also called: Epidermolysis bullosa simplex due to BP230 deficiency; Epidermolysis bullosa simplex, autosomal recessive 2. Identifiers: Orphanet 412181, MedGen C3809470, MONDO:0014180, OMIM 615425.

Allele frequency attached by ClinVar (database versions not stated): gnomAD exomes below 0.00001 and 0.00002; ExAC 0.00001; gnomAD 0.00001; TOPMed 0.00003; ESP Exome Variant Server 0.00008.
gnomAD v4.1: 8 of 1,613,794 alleles (0.0005%); highest among the groups gnomAD compares: Admixed American, 0.0017%; no homozygotes.

Submission:

Labcorp Genetics (formerly Invitae), Labcorp
Classification: Uncertain significance for Epidermolysis bullosa simplex 3, localized or generalized intermediate, with BP230 deficiency; Hereditary sensory and autonomic neuropathy type 6. Last evaluated: 2022-08-01. Review status: criteria provided, single submitter. Criteria: Invitae Variant Classification Sherloc (09022015). Collection method: clinical testing. Allele origin: germline.
Comment: In summary, the available evidence is currently insufficient to determine the role of this variant in disease. Therefore, it has been classified as a Variant of Uncertain Significance. Algorithms developed to predict the effect of missense changes on protein structure and function are either unavailable or do not agree on the potential impact of this missense change (SIFT: "Tolerated"; PolyPhen-2: "Probably Damaging"; Align-GVGD: "Class C0"). ClinVar contains an entry for this variant (Variation ID: 941712). This variant has not been reported in the literature in individuals affected with DST-related conditions. This sequence change replaces glutamic acid, which is acidic and polar, with lysine, which is basic and polar, at codon 1694 of the DST protein (p.Glu1694Lys). This variant is present in population databases (rs375717833, gnomAD 0.004%).